The following is an entry in ClinVar:

ClinVar aggregate classification (germline): Likely benign. Review status: criteria provided, multiple submitters, no conflicts (2 of 4 stars). 2 submissions from 2 submitters: Likely benign (2). Last evaluated 2024-02-18.

Conditions:
Fabry disease. Also called: Fabry's disease; ALPHA-GALACTOSIDASE A DEFICIENCY; ANDERSON-FABRY DISEASE; CERAMIDE TRIHEXOSIDASE DEFICIENCY; GLA DEFICIENCY; Ceramide trihexosidosis. Identifiers: Orphanet 324, MedGen C0002986, MONDO:0010526, OMIM 301500, HP:0001071. Disease mechanism: Fabry disease is due to inactivating mutations in the X-linked GLA gene resulting in deficiency of the enzyme Alpha Galactosidase-A., loss of function.

Allele frequency attached by ClinVar (database versions not stated): gnomAD exomes below 0.00001; ExAC 0.00001; TOPMed 0.00001.
gnomAD v4.1: 5 of 1,211,115 alleles (0.00041%); highest among the groups gnomAD compares: East Asian, 0.003%; no homozygotes.

Submissions (2):

Labcorp Genetics (formerly Invitae), Labcorp
Classification: Likely benign for Fabry disease. Last evaluated: 2024-02-18. Review status: criteria provided, single submitter. Criteria: Invitae Variant Classification Sherloc (09022015). Collection method: clinical testing. Allele origin: germline.

All of Us Research Program, National Institutes of Health
Classification: Likely benign for Fabry disease. Last evaluated: 2024-02-05. Review status: criteria provided, single submitter. Criteria: ACMG Guidelines, 2015. Collection method: clinical testing. Allele origin: germline. Inheritance: X-linked inheritance. Observed: 1 variant allele, 1 heterozygote.
Comment: This study involves interpretation of variants in research participants for the purpose of population health screening. Participant phenotype was not available at the time of variant classification. Additional details can be found in publication PMID: 35346344, PMCID: PMC8962531

NM_000169.3(GLA):c.18A>G (p.Pro6=)

Genes: GLA (galactosidase alpha; minus strand), RPL36A-HNRNPH2 (RPL36A-HNRNPH2 readthrough; plus strand). Cytogenetic location: Xq22.1.
Variant type: single nucleotide variant.
Coding change: c.18A>G on transcript NM_000169.3 (MANE Select); coding-DNA position 18, A replaced by G.
Protein change: p.Pro6=; no amino-acid change (proline 6 retained).
Molecular consequence: synonymous variant. On other transcripts: non-coding transcript variant (3), intron variant (2).
Genome position (GRCh38, 1-based): chrX:101,407,886, T>C on the plus strand (A>G on the coding strand, the complement: GLA is on the minus strand). VCF-style: chrX-101407886-T-C. GRCh37 (hg19) VCF-style: chrX-100662874-T-C.
Other names: c.18A>G, p.Pro6= (NM_001406747.1, NM_001406748.1, NM_001406749.1); c.301-4050T>C (NM_001199973.2); c.178-4050T>C (NM_001199974.2).
Identifiers: ClinVar variation 2150470 (VCV002150470.5), dbSNP rs781811293, ClinGen allele CA030098.